The following is an entry in ClinVar:

ClinVar aggregate classification (germline): Uncertain significance (1 of 4 stars; one submission).

gnomAD v4.1: 1 of 1,614,208 alleles (0.000062%); highest among the groups gnomAD compares: Non-Finnish European, 0.000085%; no homozygotes.

Submission:

GeneDx
Classification: Uncertain significance. Last evaluated: 2024-06-13. Review status: criteria provided, single submitter. Criteria: GeneDx Variant Classification Process June 2021. Collection method: clinical testing. Allele origin: germline. Affected: yes.
Comment: Not observed at significant frequency in large population cohorts (gnomAD); In silico analysis supports that this missense variant has a deleterious effect on protein structure/function; Has not been previously published as pathogenic or benign to our knowledge

NM_004408.4(DNM1):c.2120C>T (p.Ser707Leu)

Gene: DNM1 (dynamin 1; plus strand). Cytogenetic location: 9q34.11.
Variant type: single nucleotide variant.
Coding change: c.2120C>T on transcript NM_004408.4 (MANE Select); coding-DNA position 2120, C replaced by T.
Protein change: p.Ser707Leu; replaces serine 707 with leucine.
Molecular consequence: missense variant.
Genome position (GRCh38, 1-based): chr9:128,250,158, C>T. VCF-style: chr9-128250158-C-T. GRCh37 (hg19) VCF-style: chr9-131012437-C-T.
Other names: c.2120C>T, p.Ser707Leu (NM_001005336.3, NM_001288737.2, NM_001288738.2 and 2 more transcripts); short protein forms S707L.
Identifiers: ClinVar variation 3390767 (VCV003390767.1).